The following is an entry in ClinVar:

NM_006306.4(SMC1A):c.1403G>A (p.Arg468Gln)

Gene: SMC1A (structural maintenance of chromosomes 1A; minus strand). Cytogenetic location: Xp11.22.
Variant type: single nucleotide variant.
Coding change: c.1403G>A on transcript NM_006306.4 (MANE Select); coding-DNA position 1403, G replaced by A.
Protein change: p.Arg468Gln; replaces arginine 468 with glutamine.
Molecular consequence: missense variant.
Genome position (GRCh38, 1-based): chrX:53,409,204, C>T on the plus strand (G>A on the coding strand, the complement: SMC1A is on the minus strand). VCF-style: chrX-53409204-C-T. GRCh37 (hg19) VCF-style: chrX-53436135-C-T.
Other names: c.1337G>A, p.Arg446Gln (NM_001281463.1); short protein forms R446Q, R468Q.
Identifiers: ClinVar variation 1406869 (VCV001406869.9), dbSNP rs1556890153, ClinGen allele CA413255660.

ClinVar aggregate classification (germline): Uncertain significance. Review status: criteria provided, multiple submitters, no conflicts (2 of 4 stars). 2 submissions from 2 submitters: Uncertain significance (2). Last evaluated 2023-08-03.

Conditions:
Congenital muscular hypertrophy-cerebral syndrome (CDLS2). Also called: Cornelia de Lange syndrome 2; SMC1A-Related Cornelia de Lange Syndrome. Identifiers: Orphanet 199, MedGen C1802395, MONDO:0010370, OMIM 300590.
Developmental and epileptic encephalopathy, 85, with or without midline brain defects. Also called: EPILEPTIC ENCEPHALOPATHY, EARLY INFANTILE, 85, WITH OR WITHOUT MIDLINE BRAIN DEFECTS. Identifiers: MedGen C5393312, MONDO:0026771, OMIM 301044.

Allele frequency attached by ClinVar (database versions not stated): gnomAD exomes 0.00001; TOPMed 0.00001.
gnomAD v4.1: 3 of 1,210,874 alleles (0.00025%); highest among the groups gnomAD compares: Non-Finnish European, 0.00034%; no homozygotes.

Submissions (2):

Labcorp Genetics (formerly Invitae), Labcorp
Classification: Uncertain significance for Congenital muscular hypertrophy-cerebral syndrome. Last evaluated: 2023-08-03. Review status: criteria provided, single submitter. Criteria: Invitae Variant Classification Sherloc (09022015). Collection method: clinical testing. Allele origin: germline.
Comment: In summary, the available evidence is currently insufficient to determine the role of this variant in disease. Therefore, it has been classified as a Variant of Uncertain Significance. This sequence change replaces arginine, which is basic and polar, with glutamine, which is neutral and polar, at codon 468 of the SMC1A protein (p.Arg468Gln). The frequency data for this variant in the population databases is considered unreliable, as metrics indicate poor data quality at this position in the gnomAD database. This variant has not been reported in the literature in individuals affected with SMC1A-related conditions. ClinVar contains an entry for this variant (Variation ID: 1406869). Advanced modeling of protein sequence and biophysical properties (such as structural, functional, and spatial information, amino acid conservation, physicochemical variation, residue mobility, and thermodynamic stability) performed at Invitae indicates that this missense variant is not expected to disrupt SMC1A protein function.

Fulgent Genetics
Classification: Uncertain significance for Congenital muscular hypertrophy-cerebral syndrome; Developmental and epileptic encephalopathy, 85, with or without midline brain defects. Last evaluated: 2022-01-07. Review status: criteria provided, single submitter. Criteria: ACMG Guidelines, 2015. Collection method: clinical testing. Allele origin: unknown.